The following is an entry in ClinVar:

ClinVar aggregate classification (germline): Uncertain significance. Review status: criteria provided, multiple submitters, no conflicts (2 of 4 stars). 2 submissions from 2 submitters: Uncertain significance (2). Last evaluated 2025-06-17.

Conditions:
Koolen-de Vries syndrome (KDVS). Identifiers: Orphanet 96169, MedGen C1864871, MONDO:0012496, OMIM 610443.

Allele frequency attached by ClinVar (database versions not stated): gnomAD 0.00001; gnomAD exomes 0.00001.
gnomAD v4.1: 13 of 1,614,100 alleles (0.00081%); highest among the groups gnomAD compares: Admixed American, 0.0033%; no homozygotes.

Submissions (2):

Labcorp Genetics (formerly Invitae), Labcorp
Classification: Uncertain significance for Koolen-de Vries syndrome. Last evaluated: 2025-06-17. Review status: criteria provided, single submitter. Criteria: Invitae Variant Classification Sherloc (09022015). Collection method: clinical testing. Allele origin: germline.
Comment: This sequence change replaces histidine, which is basic and polar, with glutamine, which is neutral and polar, at codon 680 of the KANSL1 protein (p.His680Gln). This variant is present in population databases (no rsID available, gnomAD 0.006%). This variant has not been reported in the literature in individuals affected with KANSL1-related conditions. ClinVar contains an entry for this variant (Variation ID: 2432954). Invitae Evidence Modeling of protein sequence and biophysical properties (such as structural, functional, and spatial information, amino acid conservation, physicochemical variation, residue mobility, and thermodynamic stability) indicates that this missense variant is not expected to disrupt KANSL1 protein function with a negative predictive value of 80%. In summary, the available evidence is currently insufficient to determine the role of this variant in disease. Therefore, it has been classified as a Variant of Uncertain Significance.

Revvity Omics, Revvity
Classification: Uncertain significance for Koolen-de Vries syndrome. Last evaluated: 2019-11-14. Review status: criteria provided, single submitter. Criteria: ACMG Guidelines, 2015. Collection method: clinical testing. Allele origin: germline.

NM_015443.4(KANSL1):c.2040T>G (p.His680Gln)

Gene: KANSL1 (KAT8 regulatory NSL complex subunit 1). Cytogenetic location: 17q21.31.
Variant type: single nucleotide variant.
Coding change: c.2040T>G on transcript NM_015443.4 (MANE Select); coding-DNA position 2040, T replaced by G.
Protein change: p.His680Gln; replaces histidine 680 with glutamine.
Molecular consequence: missense variant.
Genome position (GRCh38, 1-based): chr17:46,039,865, A>C on the plus strand (T>G on the coding strand, the complement: KANSL1 is on the minus strand). VCF-style: chr17-46039865-A-C. GRCh37 (hg19) VCF-style: chr17-44117231-A-C.
Other names: c.2040T>G, p.His680Gln (NM_001405858.1, NM_001405872.1, NM_001405873.1 and 14 more transcripts); c.1938T>G, p.His646Gln (NM_001405859.1, NM_001405860.1, NM_001405861.1 and 1 more transcripts); c.774T>G, p.His258Gln (NM_001405882.1, NM_001405883.1, NM_001405884.1 and 1 more transcripts); short protein forms H258Q, H646Q, H680Q.
Identifiers: ClinVar variation 2432954 (VCV002432954.6), dbSNP rs1418595836, ClinGen allele CA399982757.